The following is an entry in ClinVar:

ClinVar aggregate classification (germline): Uncertain significance (1 of 4 stars; one submission).

Conditions:
Focal segmental glomerulosclerosis 5 (FSGS5). Identifiers: Orphanet 656, MedGen C2750475, MONDO:0013191, OMIM 613237.
Charcot-Marie-Tooth disease dominant intermediate E. Also called: CHARCOT-MARIE-TOOTH NEUROPATHY WITH FOCAL SEGMENTAL GLOMERULONEPHRITIS. Identifiers: Orphanet 93114, MedGen C4302667, MONDO:0013758, OMIM 614455.

Allele frequency attached by ClinVar (database versions not stated): gnomAD 0.00001; gnomAD exomes 0.00002 and 0.00003; TOPMed 0.00002; ExAC 0.00005.
gnomAD v4.1: 25 of 1,612,166 alleles (0.0016%); highest among the groups gnomAD compares: South Asian, 0.013%; no homozygotes.

Submission:

Labcorp Genetics (formerly Invitae), Labcorp
Classification: Uncertain significance for Charcot-Marie-Tooth disease dominant intermediate E; Focal segmental glomerulosclerosis 5. Last evaluated: 2020-05-27. Review status: criteria provided, single submitter. Criteria: Invitae Variant Classification Sherloc (09022015). Collection method: clinical testing. Allele origin: germline.
Comment: In summary, the available evidence is currently insufficient to determine the role of this variant in disease. Therefore, it has been classified as a Variant of Uncertain Significance. This variant has not been reported in the literature in individuals with INF2-related conditions. This variant is present in population databases (rs779176784, ExAC 0.02%). This sequence change replaces proline with leucine at codon 1102 of the INF2 protein (p.Pro1102Leu). The proline residue is weakly conserved and there is a moderate physicochemical difference between proline and leucine.

NM_022489.4(INF2):c.3305C>T (p.Pro1102Leu)

Gene: INF2 (inverted formin 2; plus strand). Cytogenetic location: 14q32.33.
Variant type: single nucleotide variant.
Coding change: c.3305C>T on transcript NM_022489.4 (MANE Select); coding-DNA position 3305, C replaced by T.
Protein change: p.Pro1102Leu; replaces proline 1102 with leucine.
Molecular consequence: missense variant.
Genome position (GRCh38, 1-based): chr14:104,714,467, C>T. VCF-style: chr14-104714467-C-T. GRCh37 (hg19) VCF-style: chr14-105180804-C-T.
Other names: c.3305C>T, p.Pro1102Leu (NM_001031714.4); short protein forms P1102L.
Identifiers: ClinVar variation 1023625 (VCV001023625.8), dbSNP rs779176784, ClinGen allele CA7373225.